The following is an entry in ClinVar:

ClinVar aggregate classification (germline): Uncertain significance (1 of 4 stars; one submission).

Conditions:
Alzheimer disease. Also called: Presenile and senile dementia; Alzheimer's disease. Identifiers: Orphanet 1020, MedGen C0002395, MeSH D000544, MONDO:0004975, HP:0002511.

gnomAD v4.1: 66 of 1,613,974 alleles (0.0041%); highest among the groups gnomAD compares: Non-Finnish European, 0.0054%; no homozygotes.

Submission:

Labcorp Genetics (formerly Invitae), Labcorp
Classification: Uncertain significance for Alzheimer disease. Last evaluated: 2024-09-27. Review status: criteria provided, single submitter. Criteria: Invitae Variant Classification Sherloc (09022015). Collection method: clinical testing. Allele origin: germline.
Comment: This sequence change replaces serine, which is neutral and polar, with leucine, which is neutral and non-polar, at codon 206 of the APP protein (p.Ser206Leu). This variant is present in population databases (rs376138420, gnomAD 0.002%). This variant has not been reported in the literature in individuals affected with APP-related conditions. Invitae Evidence Modeling of protein sequence and biophysical properties (such as structural, functional, and spatial information, amino acid conservation, physicochemical variation, residue mobility, and thermodynamic stability) indicates that this missense variant is not expected to disrupt APP protein function with a negative predictive value of 95%. In summary, the available evidence is currently insufficient to determine the role of this variant in disease. Therefore, it has been classified as a Variant of Uncertain Significance.

NM_000484.4(APP):c.617C>T (p.Ser206Leu)

Gene: APP (amyloid beta precursor protein; minus strand). Cytogenetic location: 21q21.3.
Variant type: single nucleotide variant.
Coding change: c.617C>T on transcript NM_000484.4 (MANE Select); coding-DNA position 617, C replaced by T.
Protein change: p.Ser206Leu; replaces serine 206 with leucine.
Molecular consequence: missense variant.
Genome position (GRCh38, 1-based): chr21:26,051,045, G>A on the plus strand (C>T on the coding strand, the complement: APP is on the minus strand). VCF-style: chr21-26051045-G-A. GRCh37 (hg19) VCF-style: chr21-27423361-G-A.
Other names: c.602C>T, p.Ser201Leu (NM_001136016.3); c.449C>T, p.Ser150Leu (NM_001136129.3, NM_001136130.3); c.512C>T, p.Ser171Leu (NM_001136131.3); c.617C>T, p.Ser206Leu (NM_001204301.2, NM_001204302.2, NM_001204303.2 and 3 more transcripts); short protein forms S171L, S201L, S150L, S206L.
Identifiers: ClinVar variation 3690634 (VCV003690634.2).